The following is an entry in ClinVar:

ClinVar aggregate classification (germline): Uncertain significance (1 of 4 stars; one submission).

Conditions:
Immunodeficiency, common variable, 4. Also called: ANTIBODY DEFICIENCY DUE TO BAFFR DEFECT. Identifiers: Orphanet 1572, Orphanet 696925, MedGen C3150739, MONDO:0013284, OMIM 613494.

Allele frequency attached by ClinVar (database versions not stated): gnomAD exomes 0.00003; ExAC 0.00004.
gnomAD v4.1: 8 of 1,548,416 alleles (0.00052%); highest among the groups gnomAD compares: East Asian, 0.019%; no homozygotes.

Submission:

Labcorp Genetics (formerly Invitae), Labcorp
Classification: Uncertain significance for Immunodeficiency, common variable, 4. Last evaluated: 2025-01-23. Review status: criteria provided, single submitter. Criteria: Invitae Variant Classification Sherloc (09022015). Collection method: clinical testing. Allele origin: germline.
Comment: This sequence change replaces proline, which is neutral and non-polar, with histidine, which is basic and polar, at codon 75 of the TNFRSF13C protein (p.Pro75His). This variant is present in population databases (rs766314604, gnomAD 0.04%). This variant has not been reported in the literature in individuals affected with TNFRSF13C-related conditions. ClinVar contains an entry for this variant (Variation ID: 1053269). An algorithm developed to predict the effect of missense changes on protein structure and function (PolyPhen-2) suggests that this variant is likely to be disruptive. In summary, the available evidence is currently insufficient to determine the role of this variant in disease. Therefore, it has been classified as a Variant of Uncertain Significance.

NM_052945.4(TNFRSF13C):c.224C>A (p.Pro75His)

Genes: TNFRSF13C (TNF receptor superfamily member 13C; minus strand), LOC130067574 (ATAC-STARR-seq lymphoblastoid silent region 13813; plus strand). Cytogenetic location: 22q13.2.
Variant type: single nucleotide variant.
Coding change: c.224C>A on transcript NM_052945.4 (MANE Select); coding-DNA position 224, C replaced by A.
Protein change: p.Pro75His; replaces proline 75 with histidine.
Molecular consequence: missense variant.
Genome position (GRCh38, 1-based): chr22:41,926,244, G>T on the plus strand (C>A on the coding strand, the complement: TNFRSF13C is on the minus strand). VCF-style: chr22-41926244-G-T. GRCh37 (hg19) VCF-style: chr22-42322248-G-T.
Other names: short protein forms P75H.
Identifiers: ClinVar variation 1053269 (VCV001053269.9), dbSNP rs766314604, ClinGen allele CA10262507.